The following is an entry in ClinVar:

ClinVar aggregate classification (germline): Uncertain significance (1 of 4 stars; one submission).

Conditions:
Thrombocytopenia 1. Also called: THROMBOCYTOPENIA, X-LINKED, 1; X-Linked Thrombocytopenia (XLT); X-linked thrombocytopenia with normal platelets. Identifiers: Orphanet 268322, Orphanet 852, MedGen C1839163, MONDO:0010743, OMIM 313900.
Wiskott-Aldrich syndrome (WAS). Also called: ALDRICH SYNDROME; IMMUNODEFICIENCY 2; WISKOTT-ALDRICH SYNDROME 1; Wiskott-aldrich syndrome, somatic. Identifiers: Orphanet 906, MedGen C0043194, MONDO:0010518, OMIM 301000.
X-linked severe congenital neutropenia (SCNX). Identifiers: Orphanet 86788, MedGen C1845987, MONDO:0010294, OMIM 300299.

Submission:

Labcorp Genetics (formerly Invitae), Labcorp
Classification: Uncertain significance for Wiskott-Aldrich syndrome; X-linked severe congenital neutropenia; Thrombocytopenia 1. Last evaluated: 2023-06-04. Review status: criteria provided, single submitter. Criteria: Invitae Variant Classification Sherloc (09022015). Collection method: clinical testing. Allele origin: germline.
Comment: In summary, the available evidence is currently insufficient to determine the role of this variant in disease. Therefore, it has been classified as a Variant of Uncertain Significance. This sequence change replaces asparagine, which is neutral and polar, with isoleucine, which is neutral and non-polar, at codon 21 of the WAS protein (p.Asn21Ile). This variant is not present in population databases (gnomAD no frequency). This variant has not been reported in the literature in individuals affected with WAS-related conditions. Advanced modeling of protein sequence and biophysical properties (such as structural, functional, and spatial information, amino acid conservation, physicochemical variation, residue mobility, and thermodynamic stability) performed at Invitae indicates that this missense variant is not expected to disrupt WAS protein function.

NM_000377.3(WAS):c.62A>T (p.Asn21Ile)

Gene: WAS (WASP actin nucleation promoting factor; plus strand). Cytogenetic location: Xp11.23.
Variant type: single nucleotide variant.
Coding change: c.62A>T on transcript NM_000377.3 (MANE Select); coding-DNA position 62, A replaced by T.
Protein change: p.Asn21Ile; replaces asparagine 21 with isoleucine.
Molecular consequence: missense variant.
Genome position (GRCh38, 1-based): chrX:48,683,915, A>T. VCF-style: chrX-48683915-A-T. GRCh37 (hg19) VCF-style: chrX-48542304-A-T.
Other names: short protein forms N21I.
Identifiers: ClinVar variation 2944792 (VCV002944792.3), dbSNP rs2519277529, ClinGen allele CA412865463.